The following is an entry in ClinVar:

ClinVar aggregate classification (germline): Uncertain significance (1 of 4 stars; one submission).

Conditions:
Glycogen storage disease, type II (IOPD). Also called: Pompe Disease; CARDIOMEGALIA GLYCOGENICA DIFFUSA; GLYCOGENOSIS, GENERALIZED, CARDIAC FORM; GSD II; POMPE DISEASE, INFANTILE-ONSET; GLYCOGEN STORAGE DISEASE II, INFANTILE-ONSET. Identifiers: Orphanet 365, MedGen C0017921, MONDO:0009290, OMIM 232300.

Submission:

Genomenon, Inc
Classification: Uncertain significance for Glycogen storage disease, type II. Last evaluated: 2026-07-01. Review status: criteria provided, single submitter. Criteria: Genomenon Sequence Variant Interpretation Standards - Updated. Collection method: curation. Allele origin: germline. Affected: no.
Comment: GAA p.Gln509Leu (c.1526A>T) is a missense variant that changes the amino acid at codon 509 from Glutamine to Leucine. This variant has been reported in the published literature (PMID:31342611;33560568). It is absent or not present at a significant frequency in gnomAD. In conclusion, we classify GAA p.Gln509Leu (c.1526A>T) as a variant of uncertain significance.

Literature cited by the submitters: PubMed 31342611; PubMed 33560568.

NM_000152.5(GAA):c.1526A>T (p.Gln509Leu)

Gene: GAA (alpha glucosidase; plus strand). Cytogenetic location: 17q25.3.
Variant type: single nucleotide variant.
Coding change: c.1526A>T on transcript NM_000152.5 (MANE Select); coding-DNA position 1526, A replaced by T.
Protein change: p.Gln509Leu; replaces glutamine 509 with leucine.
Molecular consequence: missense variant.
Genome position (GRCh38, 1-based): chr17:80,110,815, A>T. VCF-style: chr17-80110815-A-T. GRCh37 (hg19) VCF-style: chr17-78084614-A-T.
Other names: c.1526A>T, p.Gln509Leu (NM_001079803.3, NM_001079804.3, NM_001406741.1 and 1 more transcripts); short protein forms Q509L.
Identifiers: ClinVar variation 4876652 (VCV004876652.1).
Genomic context (GRCh38, chr17:80,110,815, plus strand): 5'-ACTTCACCAACCCCACAGCCCTGGCCTGGTGGGAGGACATGGTGGCTGAGTTCCATGACC[A>T]GGTGCCCTTCGACGGCATGTGGATTGTAAGTGTGGCCCCCTCCTGAGCATCCCCAAGGCC-3'
Protein context (NP_000143.2, residues 499-519): WEDMVAEFHD[Gln509Leu]VPFDGMWIDM